The following is an entry in ClinVar:

ClinVar aggregate classification (germline): Uncertain significance. Review status: criteria provided, multiple submitters, no conflicts (2 of 4 stars). 2 submissions from 2 submitters: Uncertain significance (2). Last evaluated 2025-11-08.

Allele frequency attached by ClinVar (database versions not stated): gnomAD 0.00003; TOPMed 0.00005; gnomAD exomes 0.00009; ExAC 0.00010; 1000 Genomes Project 30x 0.00016; 1000 Genomes Project 0.00020.
gnomAD v4.1: 137 of 1,612,974 alleles (0.0085%); highest among the groups gnomAD compares: Middle Eastern, 0.076%; no homozygotes.

Submissions (2):

Ambry Genetics
Classification: Uncertain significance. Last evaluated: 2025-11-08. Review status: criteria provided, single submitter. Criteria: Ambry Variant Classification Scheme 2023. Collection method: clinical testing. Allele origin: germline.

Labcorp Genetics (formerly Invitae), Labcorp
Classification: Uncertain significance. Last evaluated: 2025-03-14. Review status: criteria provided, single submitter. Criteria: Invitae Variant Classification Sherloc (09022015). Collection method: clinical testing. Allele origin: germline.
Comment: This sequence change replaces serine, which is neutral and polar, with leucine, which is neutral and non-polar, at codon 4 of the KCNK18 protein (p.Ser4Leu). This variant is present in population databases (rs201746496, gnomAD 0.02%). This variant has not been reported in the literature in individuals affected with KCNK18-related conditions. ClinVar contains an entry for this variant (Variation ID: 3113396). An algorithm developed to predict the effect of missense changes on protein structure and function (PolyPhen-2) suggests that this variant is likely to be tolerated. In summary, the available evidence is currently insufficient to determine the role of this variant in disease. Therefore, it has been classified as a Variant of Uncertain Significance.

NM_181840.1(KCNK18):c.11C>T (p.Ser4Leu)

Gene: KCNK18 (potassium two pore domain channel subfamily K member 18; plus strand). Cytogenetic location: 10q25.3.
Variant type: single nucleotide variant.
Coding change: c.11C>T on transcript NM_181840.1 (MANE Select); coding-DNA position 11, C replaced by T.
Protein change: p.Ser4Leu; replaces serine 4 with leucine.
Molecular consequence: missense variant.
Genome position (GRCh38, 1-based): chr10:117,197,499, C>T. VCF-style: chr10-117197499-C-T. GRCh37 (hg19) VCF-style: chr10-118957010-C-T.
Other names: short protein forms S4L.
Identifiers: ClinVar variation 3113396 (VCV003113396.3), dbSNP rs201746496, ClinGen allele CA5709853.